The following is an entry in ClinVar:

ClinVar aggregate classification (germline): Uncertain significance. Review status: criteria provided, multiple submitters, no conflicts (2 of 4 stars). 3 submissions from 3 submitters: Uncertain significance (3). Last evaluated 2025-01-27.

Conditions:
Inborn genetic diseases. Identifiers: MedGen C0950123, MeSH D030342.

Allele frequency attached by ClinVar (database versions not stated): ExAC 0.00002; TOPMed 0.00002; gnomAD 0.00003.
gnomAD v4.1: 23 of 1,613,524 alleles (0.0014%); highest among the groups gnomAD compares: Non-Finnish European, 0.0019%; no homozygotes.

Submissions (3):

Labcorp Genetics (formerly Invitae), Labcorp
Classification: Uncertain significance. Last evaluated: 2025-01-27. Review status: criteria provided, single submitter. Criteria: Invitae Variant Classification Sherloc (09022015). Collection method: clinical testing. Allele origin: germline.
Comment: This sequence change replaces threonine, which is neutral and polar, with asparagine, which is neutral and polar, at codon 287 of the DMXL2 protein (p.Thr287Asn). This variant is present in population databases (rs750567621, gnomAD 0.005%). This variant has not been reported in the literature in individuals affected with DMXL2-related conditions. ClinVar contains an entry for this variant (Variation ID: 1967407). An algorithm developed to predict the effect of missense changes on protein structure and function (PolyPhen-2) suggests that this variant¬†is likely to be tolerated. In summary, the available evidence is currently insufficient to determine the role of this variant in disease. Therefore, it has been classified as a Variant of Uncertain Significance.

CeGaT Center for Human Genetics Tuebingen
Classification: Uncertain significance. Last evaluated: 2024-11-01. Review status: criteria provided, single submitter. Criteria: CeGaT Center For Human Genetics Tuebingen Variant Classification Criteria Version 2. Collection method: clinical testing. Allele origin: germline. Affected: yes. Observed: 1 variant allele.
Comment: DMXL2: PM2

Ambry Genetics
Classification: Uncertain significance for Inborn genetic diseases. Last evaluated: 2023-10-02. Review status: criteria provided, single submitter. Criteria: Ambry Variant Classification Scheme 2023. Collection method: clinical testing. Allele origin: germline.

NM_001378457.1(DMXL2):c.860C>A (p.Thr287Asn)

Gene: DMXL2 (Dmx like 2; minus strand). Cytogenetic location: 15q21.2.
Variant type: single nucleotide variant.
Coding change: c.860C>A on transcript NM_001378457.1 (MANE Select); coding-DNA position 860, C replaced by A.
Protein change: p.Thr287Asn; replaces threonine 287 with asparagine.
Molecular consequence: missense variant. On other transcripts: non-coding transcript variant (2).
Genome position (GRCh38, 1-based): chr15:51,545,653, G>T on the plus strand (C>A on the coding strand, the complement: DMXL2 is on the minus strand). VCF-style: chr15-51545653-G-T. GRCh37 (hg19) VCF-style: chr15-51837850-G-T.
Other names: c.860C>A (NM_001174116.1); c.860C>A, p.Thr287Asn (NM_001174116.3, NM_001174117.3, NM_001378458.1 and 7 more transcripts); short protein forms T287N.
Identifiers: ClinVar variation 1967407 (VCV001967407.19), dbSNP rs750567621, ClinGen allele CA7562720.